The following is an entry in ClinVar:

ClinVar aggregate classification (germline): Uncertain significance (1 of 4 stars; one submission).

Conditions:
Inborn genetic diseases. Identifiers: MedGen C0950123, MeSH D030342.

Submission:

Ambry Genetics
Classification: Uncertain significance for Inborn genetic diseases. Last evaluated: 2026-05-24. Review status: criteria provided, single submitter. Criteria: Ambry Variant Classification Scheme 2023. Collection method: clinical testing. Allele origin: germline.
Comment: The p.I573M variant (also known as c.1719A>G), located in coding exon 19 of the FANCA gene, results from an A to G substitution at nucleotide position 1719. The isoleucine at codon 573 is replaced by methionine, an amino acid with highly similar properties. This amino acid position is conserved. In addition, the in silico prediction for this alteration is inconclusive. Based on the available evidence, the clinical significance of this variant remains unclear.

NM_000135.4(FANCA):c.1719A>G (p.Ile573Met)

Gene: FANCA (FA complementation group A; minus strand). Cytogenetic location: 16q24.3.
Variant type: single nucleotide variant.
Coding change: c.1719A>G on transcript NM_000135.4 (MANE Select); coding-DNA position 1719, A replaced by G.
Protein change: p.Ile573Met; replaces isoleucine 573 with methionine.
Molecular consequence: missense variant.
Genome position (GRCh38, 1-based): chr16:89,779,000, T>C on the plus strand (A>G on the coding strand, the complement: FANCA is on the minus strand). VCF-style: chr16-89779000-T-C. GRCh37 (hg19) VCF-style: chr16-89845408-T-C.
Other names: c.1719A>G, p.Ile573Met (NM_001286167.3); short protein forms I573M.
Identifiers: ClinVar variation 4870888 (VCV004870888.1).